The following is an entry in ClinVar:

ClinVar aggregate classification (germline): Uncertain significance (1 of 4 stars; one submission).

Conditions:
Glycogen storage disease, type IV (GSD4). Also called: Glycogen storage disease due to glycogen branching enzyme deficiency; AMYLOPECTINOSIS; ANDERSEN DISEASE; BRANCHER DEFICIENCY; CIRRHOSIS, FAMILIAL, WITH DEPOSITION OF ABNORMAL GLYCOGEN; GBE1 DEFICIENCY. Identifiers: Orphanet 367, MedGen C0017923, MONDO:0009292, OMIM 232500.

gnomAD v4.1: 14 of 1,606,648 alleles (0.00087%); highest among the groups gnomAD compares: Admixed American, 0.0068%; no homozygotes.

Submission:

Myriad Genetics, Inc.
Classification: Uncertain significance for Glycogen storage disease, type IV. Last evaluated: 2026-06-02. Review status: criteria provided, single submitter. Criteria: Myriad Autosomal Dominant, Autosomal Recessive and X-Linked Classification Criteria (2023). Collection method: clinical testing. Allele origin: unknown.
Comment: NM_000158.3(GBE1):c.1580C>T(T527M) is a missense variant classified as a variant of uncertain significance in the context of glycogen storage disease, GBE1-related. T527M has been observed in a case with relevant disease (PMID: 38012812). Relevant functional assessments of this variant are not available in the literature. T527M has been observed in referenced population frequency databases. In summary, there is insufficient evidence to classify NM_000158.3(GBE1):c.1580C>T(T527M) as pathogenic or benign. Please note: this variant was assessed in the context of healthy population screening.

Literature cited by the submitters: PubMed 38012812.

NM_000158.4(GBE1):c.1580C>T (p.Thr527Met)

Gene: GBE1 (1,4-alpha-glucan branching enzyme 1; minus strand). Cytogenetic location: 3p12.2.
Variant type: single nucleotide variant.
Coding change: c.1580C>T on transcript NM_000158.4 (MANE Select); coding-DNA position 1580, C replaced by T.
Protein change: p.Thr527Met; replaces threonine 527 with methionine.
Molecular consequence: missense variant.
Genome position (GRCh38, 1-based): chr3:81,577,963, G>A on the plus strand (C>T on the coding strand, the complement: GBE1 is on the minus strand). VCF-style: chr3-81577963-G-A. GRCh37 (hg19) VCF-style: chr3-81627114-G-A.
Other names: short protein forms T527M.
Identifiers: ClinVar variation 5003400 (VCV005003400.1).